The following is an entry in ClinVar:

NM_014633.5(CTR9):c.1214C>T (p.Thr405Ile)

Genes: CTR9 (CTR9 component of Paf1/RNA polymerase II complex; plus strand), LOC126861140 (CDK7 strongly-dependent group 2 enhancer GRCh37_chr11:10785333-10786532; plus strand). Cytogenetic location: 11p15.4.
Variant type: single nucleotide variant.
Coding change: c.1214C>T on transcript NM_014633.5 (MANE Select); coding-DNA position 1214, C replaced by T.
Protein change: p.Thr405Ile; replaces threonine 405 with isoleucine.
Molecular consequence: missense variant.
Genome position (GRCh38, 1-based): chr11:10,764,131, C>T. VCF-style: chr11-10764131-C-T. GRCh37 (hg19) VCF-style: chr11-10785678-C-T.
Other names: c.1214C>T, p.Thr405Ile (NM_001346279.2); short protein forms T405I.
Identifiers: ClinVar variation 2857084 (VCV002857084.3), dbSNP rs2539379928, ClinGen allele CA379665727.

ClinVar aggregate classification (germline): Uncertain significance (1 of 4 stars; one submission).

Submission:

Labcorp Genetics (formerly Invitae), Labcorp
Classification: Uncertain significance. Last evaluated: 2023-04-17. Review status: criteria provided, single submitter. Criteria: Invitae Variant Classification Sherloc (09022015). Collection method: clinical testing. Allele origin: germline.
Comment: This variant is not present in population databases (gnomAD no frequency). This variant has not been reported in the literature in individuals affected with CTR9-related conditions. An algorithm developed to predict the effect of missense changes on protein structure and function (PolyPhen-2) suggests that this variant is likely to be tolerated. In summary, the available evidence is currently insufficient to determine the role of this variant in disease. Therefore, it has been classified as a Variant of Uncertain Significance. This sequence change replaces threonine, which is neutral and polar, with isoleucine, which is neutral and non-polar, at codon 405 of the CTR9 protein (p.Thr405Ile).